The following is an entry in ClinVar:

NM_001039213.4(CEACAM16):c.292A>G (p.Ile98Val)

Genes: CEACAM16 (CEA cell adhesion molecule 16, tectorial membrane component; plus strand), CEACAM16-AS1 (CEACAM16, CEACAM19 and PVR antisense RNA 1; minus strand). Cytogenetic location: 19q13.32.
Variant type: single nucleotide variant.
Coding change: c.292A>G on transcript NM_001039213.4 (MANE Select); coding-DNA position 292, A replaced by G.
Protein change: p.Ile98Val; replaces isoleucine 98 with valine.
Molecular consequence: missense variant.
Genome position (GRCh38, 1-based): chr19:44,703,603, A>G. VCF-style: chr19-44703603-A-G. GRCh37 (hg19) VCF-style: chr19-45206873-A-G.
Other names: short protein forms I98V.
Identifiers: ClinVar variation 4527130 (VCV004527130.2).

ClinVar aggregate classification (germline): Uncertain significance. Review status: criteria provided, multiple submitters, no conflicts (2 of 4 stars). 2 submissions from 2 submitters: Uncertain significance (2). Last evaluated 2026-06-23.

Conditions:
CEACAM16-related disorder. Also called: CEACAM16-related condition.

gnomAD v4.1: 1 of 1,609,676 alleles (0.000062%); highest among the groups gnomAD compares: Admixed American, 0.0017%; no homozygotes.

Submissions (2):

PreventionGenetics, part of Exact Sciences
Classification: Uncertain significance for CEACAM16-related condition. Last evaluated: 2026-06-23. Review status: criteria provided, single submitter. Criteria: ACMG Guidelines, 2015. Collection method: clinical testing. Allele origin: germline.
Comment: The CEACAM16 c.292A>G variant is predicted to result in the amino acid substitution p.Ile98Val. To our knowledge, this variant has not been reported in the literature. This variant is reported in 0.0030% of alleles in individuals of Latino descent in gnomAD. At this time, the clinical significance of this variant is uncertain due to the absence of conclusive functional and genetic evidence.

GeneDx
Classification: Uncertain significance. Last evaluated: 2025-05-06. Review status: criteria provided, single submitter. Criteria: GeneDx Variant Classification Process June 2021. Collection method: clinical testing. Allele origin: germline. Affected: yes.
Comment: Not observed at significant frequency in large population cohorts (gnomAD); In silico analysis suggests that this missense variant does not alter protein structure/function; Has not been previously published as pathogenic or benign to our knowledge